The following is an entry in ClinVar:

NM_006031.6(PCNT):c.2670G>T (p.Leu890=)

Gene: PCNT (pericentrin; plus strand). Cytogenetic location: 21q22.3.
Variant type: single nucleotide variant.
Coding change: c.2670G>T on transcript NM_006031.6 (MANE Select); coding-DNA position 2670, G replaced by T.
Protein change: p.Leu890=; no amino-acid change (leucine 890 retained).
Molecular consequence: synonymous variant.
Genome position (GRCh38, 1-based): chr21:46,366,644, G>T. VCF-style: chr21-46366644-G-T. GRCh37 (hg19) VCF-style: chr21-47786559-G-T.
Other names: c.2670G>T (NM_006031.5); c.2316G>T, p.Leu772= (NM_001315529.2).
Identifiers: ClinVar variation 2805092 (VCV002805092.5), dbSNP rs1281950235, ClinGen allele CA513173305.

ClinVar aggregate classification (germline): Likely benign. Review status: criteria provided, single submitter (1 of 4 stars). 2 submissions from 2 submitters: Likely benign (1). 1 of the submissions does not count toward it. Last evaluated 2024-12-18.

Conditions:
PCNT-related disorder. Also called: PCNT-related condition.

Allele frequency attached by ClinVar (database versions not stated): gnomAD exomes 0.00001.
gnomAD v4.1: 3 of 1,614,062 alleles (0.00019%); highest among the groups gnomAD compares: Middle Eastern, 0.033%; no homozygotes.

Submissions (2):

Labcorp Genetics (formerly Invitae), Labcorp
Classification: Likely benign. Last evaluated: 2024-12-18. Review status: criteria provided, single submitter. Criteria: Invitae Variant Classification Sherloc (09022015). Collection method: clinical testing. Allele origin: germline.

PreventionGenetics, part of Exact Sciences
Classification: Likely benign for PCNT-related condition. Last evaluated: 2023-04-01. Review status: no assertion criteria provided. Collection method: clinical testing. Allele origin: germline. Not counted in ClinVar's aggregate classification.
Comment: This variant is classified as likely benign based on ACMG/AMP sequence variant interpretation guidelines (Richards et al. 2015 PMID: 25741868, with internal and published modifications).